The following is an entry in ClinVar:

NM_177400.3(NKX6-2):c.523G>A (p.Gly175Ser)

Gene: NKX6-2 (NK6 homeobox 2; minus strand). Cytogenetic location: 10q26.3.
Variant type: single nucleotide variant.
Coding change: c.523G>A on transcript NM_177400.3 (MANE Select); coding-DNA position 523, G replaced by A.
Protein change: p.Gly175Ser; replaces glycine 175 with serine.
Molecular consequence: missense variant.
Genome position (GRCh38, 1-based): chr10:132,785,336, C>T on the plus strand (G>A on the coding strand, the complement: NKX6-2 is on the minus strand). VCF-style: chr10-132785336-C-T. GRCh37 (hg19) VCF-style: chr10-134598840-C-T.
Other names: short protein forms G175S.
Identifiers: ClinVar variation 1466277 (VCV001466277.5), dbSNP rs777407057, ClinGen allele CA5756090.

ClinVar aggregate classification (germline): Uncertain significance (1 of 4 stars; one submission).

Allele frequency attached by ClinVar (database versions not stated): TOPMed 0.00001; ExAC 0.00002; gnomAD exomes 0.00002.

Submission:

Labcorp Genetics (formerly Invitae), Labcorp
Classification: Uncertain significance. Last evaluated: 2021-09-20. Review status: criteria provided, single submitter. Criteria: Invitae Variant Classification Sherloc (09022015). Collection method: clinical testing. Allele origin: germline.
Comment: Algorithms developed to predict the effect of missense changes on protein structure and function are either unavailable or do not agree on the potential impact of this missense change (SIFT: "Deleterious"; PolyPhen-2: "Probably Damaging"; Align-GVGD: "Class C0"). In summary, the available evidence is currently insufficient to determine the role of this variant in disease. Therefore, it has been classified as a Variant of Uncertain Significance. This sequence change replaces glycine with serine at codon 175 of the NKX6-2 protein (p.Gly175Ser). The glycine residue is highly conserved and there is a small physicochemical difference between glycine and serine. This variant is present in population databases (rs777407057, ExAC 0.02%). This variant has not been reported in the literature in individuals affected with NKX6-2-related conditions.